The following is an entry in ClinVar:

ClinVar aggregate classification (germline): Uncertain significance (1 of 4 stars; one submission).

Allele frequency attached by ClinVar (database versions not stated): gnomAD exomes 0.00001.

Submission:

Labcorp Genetics (formerly Invitae), Labcorp
Classification: Uncertain significance. Last evaluated: 2022-08-16. Review status: criteria provided, single submitter. Criteria: Invitae Variant Classification Sherloc (09022015). Collection method: clinical testing. Allele origin: germline.
Comment: ClinVar contains an entry for this variant (Variation ID: 1390598). This sequence change replaces methionine, which is neutral and non-polar, with isoleucine, which is neutral and non-polar, at codon 430 of the PDE6B protein (p.Met430Ile). This variant is not present in population databases (gnomAD no frequency). This variant has not been reported in the literature in individuals affected with PDE6B-related conditions. Algorithms developed to predict the effect of missense changes on protein structure and function are either unavailable or do not agree on the potential impact of this missense change (SIFT: "Deleterious"; PolyPhen-2: "Benign"; Align-GVGD: "Class C0"). In summary, the available evidence is currently insufficient to determine the role of this variant in disease. Therefore, it has been classified as a Variant of Uncertain Significance.

NM_000283.4(PDE6B):c.1290G>A (p.Met430Ile)

Gene: PDE6B (phosphodiesterase 6B; plus strand). Cytogenetic location: 4p16.3.
Variant type: single nucleotide variant.
Coding change: c.1290G>A on transcript NM_000283.4 (MANE Select); coding-DNA position 1290, G replaced by A.
Protein change: p.Met430Ile; replaces methionine 430 with isoleucine.
Molecular consequence: missense variant.
Genome position (GRCh38, 1-based): chr4:657,383, G>A. VCF-style: chr4-657383-G-A. GRCh37 (hg19) VCF-style: chr4-651172-G-A.
Other names: c.1290G>A, p.Met430Ile (NM_001145291.2); c.453G>A, p.Met151Ile (NM_001145292.2, NM_001350154.3, NM_001379246.1 and 1 more transcripts); c.135G>A, p.Met45Ile (NM_001350155.3); short protein forms M430I, M45I, M151I.
Identifiers: ClinVar variation 1390598 (VCV001390598.6), dbSNP rs2109218110, ClinGen allele CA355913815.
Genomic context (GRCh38, chr4:657,383, plus strand): 5'-GCGCCAGTGACACTGCCATCCCCTCCAGTCCCTGACACAGTTCCTGGGCTGGTCAGTGAT[G>A]AACACCGACACCTACGACAAGATGAACAAGCTGGAGAACCGCAAGGACATCGCACAGGAC-3'
Protein context (NP_000274.3, residues 420-440): SLTQFLGWSV[Met430Ile]NTDTYDKMNK